The following is an entry in ClinVar:

NM_181426.2(CCDC39):c.64GAG[1] (p.Glu23del)

Gene: CCDC39 (coiled-coil domain 39 molecular ruler complex subunit; minus strand). Cytogenetic location: 3q26.33.
Variant type: Microsatellite.
Coding change: c.64GAG[1] on transcript NM_181426.2 (MANE Select); one copy of the 3-base unit GAG starting at c.64; the reference has two copies in a row; one copy, 3 bases deleted.
Protein change: p.Glu23del; deletes glutamic acid 23.
Molecular consequence: inframe deletion.
Genome position (GRCh38, 1-based): chr3:180,679,312-180,679,314, CTC deleted on the plus strand (GAG on the coding strand, the reverse complement: CCDC39 is on the minus strand); deleting any 3 consecutive bases within chr3:180,679,312-180,679,317 gives the same sequence; the position shown is the placement nearest the transcript's 3' end. VCF-style (leftmost placement, unchanged base first): chr3-180679311-TCTC-T. GRCh37 (hg19) VCF-style: chr3-180397099-TCTC-T.
Other names: c.67_69delGAG (NM_181426.1); short protein forms E23del.
Identifiers: ClinVar variation 525369 (VCV000525369.7), dbSNP rs771715698, ClinGen allele CA2716261.

ClinVar aggregate classification (germline): Uncertain significance. Review status: criteria provided, multiple submitters, no conflicts (2 of 4 stars). 2 submissions from 2 submitters: Uncertain significance (2). Last evaluated 2022-06-04.

Conditions:
Primary ciliary dyskinesia. Also called: Ciliary dyskinesia. Identifiers: Orphanet 244, MedGen C0008780, MONDO:0016575, HP:0012265.
Primary ciliary dyskinesia 14. Also called: CILIARY DYSKINESIA, PRIMARY, 14, WITH OR WITHOUT SITUS INVERSUS. Identifiers: Orphanet 244, MedGen C3151136, MONDO:0013434, OMIM 613807.

Submissions (2):

Labcorp Genetics (formerly Invitae), Labcorp
Classification: Uncertain significance for Primary ciliary dyskinesia. Last evaluated: 2022-06-04. Review status: criteria provided, single submitter. Criteria: Invitae Variant Classification Sherloc (09022015). Collection method: clinical testing. Allele origin: germline.
Comment: This variant, c.67_69del, results in the deletion of 1 amino acid(s) of the CCDC39 protein (p.Glu23del), but otherwise preserves the integrity of the reading frame. This variant is present in population databases (rs771715698, gnomAD 0.005%). This variant has not been reported in the literature in individuals affected with CCDC39-related conditions. ClinVar contains an entry for this variant (Variation ID: 525369). Experimental studies and prediction algorithms are not available or were not evaluated, and the functional significance of this variant is currently unknown. In summary, the available evidence is currently insufficient to determine the role of this variant in disease. Therefore, it has been classified as a Variant of Uncertain Significance.

Fulgent Genetics
Classification: Uncertain significance for Primary ciliary dyskinesia 14. Last evaluated: 2021-07-09. Review status: criteria provided, single submitter. Criteria: ACMG Guidelines, 2015. Collection method: clinical testing. Allele origin: unknown.